The following is an entry in ClinVar:

NM_182746.3(MCM4):c.2203G>C (p.Glu735Gln)

Gene: MCM4 (minichromosome maintenance complex component 4; plus strand). Cytogenetic location: 8q11.21.
Variant type: single nucleotide variant.
Coding change: c.2203G>C on transcript NM_182746.3 (MANE Select); coding-DNA position 2203, G replaced by C.
Protein change: p.Glu735Gln; replaces glutamic acid 735 with glutamine.
Molecular consequence: missense variant.
Genome position (GRCh38, 1-based): chr8:47,974,800, G>C. VCF-style: chr8-47974800-G-C. GRCh37 (hg19) VCF-style: chr8-48887360-G-C.
Other names: c.2203G>C, p.Glu735Gln (NM_005914.4); short protein forms E735Q.
Identifiers: ClinVar variation 4699411 (VCV004699411.1).

ClinVar aggregate classification (germline): Uncertain significance (1 of 4 stars; one submission).

gnomAD v4.1: 4 of 1,614,214 alleles (0.00025%); highest among the groups gnomAD compares: Admixed American, 0.005%; no homozygotes.

Submission:

Labcorp Genetics (formerly Invitae), Labcorp
Classification: Uncertain significance. Last evaluated: 2025-08-06. Review status: criteria provided, single submitter. Criteria: Invitae Variant Classification Sherloc (09022015). Collection method: clinical testing. Allele origin: germline.
Comment: This sequence change replaces glutamic acid, which is acidic and polar, with glutamine, which is neutral and polar, at codon 735 of the MCM4 protein (p.Glu735Gln). This variant is not present in population databases (gnomAD no frequency). This variant has not been reported in the literature in individuals affected with MCM4-related conditions. Invitae Evidence Modeling of protein sequence and biophysical properties (such as structural, functional, and spatial information, amino acid conservation, physicochemical variation, residue mobility, and thermodynamic stability) indicates that this missense variant is expected to disrupt MCM4 protein function with a positive predictive value of 80%. In summary, the available evidence is currently insufficient to determine the role of this variant in disease. Therefore, it has been classified as a Variant of Uncertain Significance.